The following is an entry in ClinVar:

ClinVar aggregate classification (germline): Uncertain significance (1 of 4 stars; one submission).

Conditions:
Charcot-Marie-Tooth disease axonal type 2O. Also called: Charcot-Marie-Tooth Neuropathy Type 2O; CHARCOT-MARIE-TOOTH NEUROPATHY, AXONAL, TYPE 2O; CHARCOT-MARIE-TOOTH DISEASE, AXONAL, AUTOSOMAL DOMINANT, TYPE 2O; Charcot-Marie-Tooth disease, axonal, type 20. Identifiers: Orphanet 284232, MedGen C3280220, MONDO:0013644, OMIM 614228.

Submission:

Labcorp Genetics (formerly Invitae), Labcorp
Classification: Uncertain significance for Charcot-Marie-Tooth disease axonal type 2O. Last evaluated: 2017-05-23. Review status: criteria provided, single submitter. Criteria: Invitae Variant Classification Sherloc (09022015). Collection method: clinical testing. Allele origin: germline.
Comment: This variant is a gross deletion of the genomic region encompassing exon 1 of the DYNC1H1 gene, which includes the initiator codon. The 5' end of this event is unknown as it extends beyond the assayed region for this gene and therefore may encompass additional genes. The 3' boundary is likely confined to intron 1 of the DYNC1H1 gene. This is expected to result in an absent or disrupted protein product. This deletion has not been reported in the literature in individuals with a DYNC1H1-related disease. The current clinical and genetic evidence is not sufficient to establish whether loss-of-function variants in DYNC1H1 cause disease. In summary, this variant has uncertain impact on DYNC1H1 function. The available evidence is currently insufficient to determine its role in disease. Therefore, it has been classified as a Variant of Uncertain Significance.

NC_000014.9:g.(?_101925141)_(101964947_?)del

Genes: DYNC1H1 (dynein cytoplasmic 1 heavy chain 1; plus strand), PPP2R5C (protein phosphatase 2 regulatory subunit B'gamma; plus strand), LOC130056499 (ATAC-STARR-seq lymphoblastoid active region 9059; plus strand), LOC130056500 (ATAC-STARR-seq lymphoblastoid active region 9061; plus strand). Cytogenetic location: 14q32.31.
Variant type: Deletion.
Identifiers: ClinVar variation 584036 (VCV000584036.2).